The following is an entry in ClinVar:

NM_003073.5(SMARCB1):c.947G>C (p.Arg316Pro)

Gene: SMARCB1 (SWI/SNF related BAF chromatin remodeling complex subunit B1; plus strand). Cytogenetic location: 22q11.23.
Variant type: single nucleotide variant.
Coding change: c.947G>C on transcript NM_003073.5 (MANE Select); coding-DNA position 947, G replaced by C.
Protein change: p.Arg316Pro; replaces arginine 316 with proline.
Molecular consequence: missense variant.
Genome position (GRCh38, 1-based): chr22:23,825,376, G>C. VCF-style: chr22-23825376-G-C. GRCh37 (hg19) VCF-style: chr22-24167563-G-C.
Other names: c.920G>C, p.Arg307Pro (NM_001007468.3); c.974G>C, p.Arg325Pro (NM_001317946.2); c.1001G>C, p.Arg334Pro (NM_001362877.2); short protein forms R316P, R334P, R307P, R325P.
Identifiers: ClinVar variation 4843405 (VCV004843405.1).

ClinVar aggregate classification (germline): Uncertain significance (1 of 4 stars; one submission).

Conditions:
Hereditary cancer-predisposing syndrome. Also called: Neoplastic Syndromes, Hereditary; Tumor predisposition; Hereditary Cancer Syndrome; Hereditary neoplastic syndrome. Identifiers: Orphanet 140162, MedGen C0027672, MeSH D009386, MONDO:0015356.

Submission:

Ambry Genetics
Classification: Uncertain significance for Hereditary cancer-predisposing syndrome. Last evaluated: 2026-01-07. Review status: criteria provided, single submitter. Criteria: Ambry Variant Classification Scheme 2023. Collection method: clinical testing. Allele origin: germline.
Comment: The p.R316P variant (also known as c.947G>C), located in coding exon 7 of the SMARCB1 gene, results from a G to C substitution at nucleotide position 947. The arginine at codon 316 is replaced by proline, an amino acid with dissimilar properties. This amino acid position is conserved. In addition, this alteration is predicted to be deleterious by in silico analysis. Based on the available evidence, the clinical significance of this variant remains unclear.